The following is an entry in ClinVar:

NM_018417.6(ADCY10):c.2215G>T (p.Glu739Ter)

Gene: ADCY10 (adenylate cyclase 10; minus strand). Cytogenetic location: 1q24.2.
Variant type: single nucleotide variant.
Coding change: c.2215G>T on transcript NM_018417.6 (MANE Select); coding-DNA position 2215, G replaced by T.
Protein change: p.Glu739Ter; replaces glutamic acid 739 with a stop codon.
Molecular consequence: nonsense.
Genome position (GRCh38, 1-based): chr1:167,854,446, C>A on the plus strand (G>T on the coding strand, the complement: ADCY10 is on the minus strand). VCF-style: chr1-167854446-C-A. GRCh37 (hg19) VCF-style: chr1-167823684-C-A.
Other names: c.1756G>T, p.Glu586Ter (NM_001167749.3); c.1939G>T, p.Glu647Ter (NM_001297772.2); short protein forms E586*, E647*, E739*.
Identifiers: ClinVar variation 1179048 (VCV001179048.2), dbSNP rs1407377211, ClinGen allele CA343088019.
Genomic context (GRCh38, chr1:167,854,446, plus strand): 5'-CCTCAGACTCCGTTTGTTGGAAAACGAGTACCTCATGATGTTCCAGGTTTTTAAGCAATT[C>A]TTCACAGTAAAATGGAATCCCACAGCTTCCCTCCCCCAGGTACCTGTAGTGAAAACAAGG-3'

ClinVar aggregate classification (germline): Likely pathogenic (1 of 4 stars; one submission).

Conditions:
Familial idiopathic hypercalciuria (HCA2). Also called: Hypercalciuria, absorptive, 2; Hypercalciuria, absorptive, susceptibility to. Identifiers: MedGen C0342639, MONDO:0007748, OMIM 143870.

Allele frequency attached by ClinVar (database versions not stated): gnomAD exomes below 0.00001.
gnomAD v4.1: 4 of 1,614,194 alleles (0.00025%); highest among the groups gnomAD compares: Non-Finnish European, 0.00034%; no homozygotes.

Submission:

Fulgent Genetics
Classification: Likely pathogenic for Familial idiopathic hypercalciuria. Last evaluated: 2021-06-30. Review status: criteria provided, single submitter. Criteria: ACMG Guidelines, 2015. Collection method: clinical testing. Allele origin: unknown.
Comment: This variant has been detected in individual(s) who were sent for testing of Renasight - kidney gene panel.